The following is an entry in ClinVar:

ClinVar aggregate classification (germline): Conflicting classifications of pathogenicity. Review status: criteria provided, conflicting classifications (1 of 4 stars). 6 submissions from 6 submitters: Uncertain significance (5); Likely benign (1). Last evaluated 2025-04-28.

Conditions:
Dystonia 27 (DYT27). Identifiers: Orphanet 464440, MedGen C4225336, MONDO:0014627, OMIM 616411.
Collagen 6-related myopathy. Identifiers: MedGen CN117976, MONDO:0100225.
Ullrich congenital muscular dystrophy 1A. Also called: Ullrich congenital muscular dystrophy 1; Intermediate COL6-RD. Identifiers: Orphanet 75840, MedGen C0410179, MONDO:0009681, OMIM 254090.
Bethlem myopathy 1A. Also called: MYOPATHY, BENIGN CONGENITAL, WITH CONTRACTURES; Bethlem myopathy 1; Bethlem Muscular Dystrophy. Identifiers: Orphanet 610, MedGen CN029274, MONDO:0024530, OMIM 158810.

Allele frequency attached by ClinVar (database versions not stated): TOPMed 0.00004; 1000 Genomes Project 0.00040; 1000 Genomes Project 30x 0.00062.
gnomAD v4.1: 28 of 1,614,178 alleles (0.0017%); highest among the groups gnomAD compares: South Asian, 0.0077%; no homozygotes.

Submissions (6):

Labcorp Genetics (formerly Invitae), Labcorp
Classification: Likely benign for Bethlem myopathy 1A. Last evaluated: 2025-04-28. Review status: criteria provided, single submitter. Criteria: Invitae Variant Classification Sherloc (09022015). Collection method: clinical testing. Allele origin: germline.

Pittsburgh Clinical Genomics Laboratory, University of Pittsburgh Medical Center
Classification: Uncertain significance for Ullrich congenital muscular dystrophy 1A. Last evaluated: 2024-02-01. Review status: criteria provided, single submitter. Criteria: ACMG Guidelines, 2015. Collection method: clinical testing. Allele origin: germline. Inheritance: Autosomal unknown. Affected: yes.
Comment: This sequence variant is a single nucleotide substitution (G>A) at position 5833 of the coding sequence of the COL6A3 gene that results in a valine to methionine amino acid change at residue 1945 of the collagen type VI alpha 3 chain protein. This residue falls in the tenth von Willebrand factor (vWF) type A domain (UniProt). This is a previously reported variant (ClinVar 335116) that has been observed in individuals affected by isolated dystonia (PMID: 26004199), as well as developmental delay and hypotonia (PMID: 26284228). This variant is present in 28 of 1614178 alleles (0.0017%) in the gnomAD v4.0.0 population dataset. Bioinformatic tools are inconclusive if this amino acid change will be damaging or tolerated, and the Val1945 residue at this position is moderately conserved across the vertebrate species examined. Studies examining the functional consequence of this variant have not been published, to our knowledge. At this time, there is insufficient evidence to determine if this variant is pathogenic or benign. Therefore, we consider this a variant of uncertain significance. ACMG Criteria: PM2

Department of Pathology and Laboratory Medicine, Sinai Health System
Classification: Uncertain significance for dystonia 27. Last evaluated: 2023-04-27. Review status: criteria provided, single submitter. Criteria: ACMG Guidelines, 2015. Collection method: research. Allele origin: germline.

Laboratorio de Genetica e Diagnostico Molecular, Hospital Israelita Albert Einstein
Classification: Uncertain significance for Ullrich congenital muscular dystrophy 1A. Last evaluated: 2022-10-03. Review status: criteria provided, single submitter. Criteria: ACMG Guidelines, 2015. Collection method: clinical testing. Allele origin: germline. Affected: yes. Observed: 1 variant allele.
Comment: ACMG classification criteria: PM2 moderated, BP4 supporting

GeneDx
Classification: Uncertain significance. Last evaluated: 2020-11-05. Review status: criteria provided, single submitter. Criteria: GeneDx Variant Classification Process June 2021. Collection method: clinical testing. Allele origin: germline. Affected: yes.
Comment: In silico analysis, which includes protein predictors and evolutionary conservation, supports that this variant does not alter protein structure/function; Has not been previously published as pathogenic or benign to our knowledge

Illumina Laboratory Services, Illumina
Classification: Uncertain significance for Collagen VI-related myopathy. Last evaluated: 2018-01-12. Review status: criteria provided, single submitter. Criteria: ICSL Variant Classification Criteria 13 December 2019. Collection method: clinical testing. Allele origin: germline.

Literature cited by the submitters: PubMed 26004199 (cited by Pittsburgh Clinical Genomics Laboratory, University of Pittsburgh Medical Center); PubMed 26284228 (cited by Pittsburgh Clinical Genomics Laboratory, University of Pittsburgh Medical Center).

NM_004369.4(COL6A3):c.5833G>A (p.Val1945Met)

Gene: COL6A3 (collagen type VI alpha 3 chain; minus strand). Cytogenetic location: 2q37.3.
Variant type: single nucleotide variant.
Coding change: c.5833G>A on transcript NM_004369.4 (MANE Select); coding-DNA position 5833, G replaced by A.
Protein change: p.Val1945Met; replaces valine 1945 with methionine.
Molecular consequence: missense variant.
Genome position (GRCh38, 1-based): chr2:237,365,703, C>T on the plus strand (G>A on the coding strand, the complement: COL6A3 is on the minus strand). VCF-style: chr2-237365703-C-T. GRCh37 (hg19) VCF-style: chr2-238274346-C-T.
Other names: c.4012G>A, p.Val1338Met (NM_057166.5); c.5215G>A, p.Val1739Met (NM_057167.4); short protein forms V1945M, V1338M, V1739M.
Identifiers: ClinVar variation 335116 (VCV000335116.14), dbSNP rs113332380, ClinGen allele CA2188571.